The following is an entry in ClinVar:

ClinVar aggregate classification (germline): Benign (1 of 4 stars; one submission).

Conditions:
Leigh syndrome (NULS). Also called: Leigh's necrotizing encephalopathy; Leigh's disease; Leigh Syndrome (mtDNA deletion); Leigh Disease; Subacute necrotizing encephalopathy; Necrotizing encephalopathy infantile subacute of Leigh. Identifiers: Orphanet 506, MedGen C2931891, MONDO:0009723, OMIM 256000.

Submission:

Wong Mito Lab, Molecular and Human Genetics, Baylor College of Medicine
Classification: Benign for Leigh syndrome. Last evaluated: 2019-10-17. Review status: criteria provided, single submitter. Criteria: Modified ACMG Guidelines (Unpublished). Collection method: clinical testing. Allele origin: germline.
Comment: The NC_012920.1:m.9070T>G (YP_003024031.1:p.Ser182Ala) variant in MTATP6 gene is interpretated to be a Benign variant based on the modified ACMG guidelines (unpublished). This variant meets the following evidence codes: BS1, BS2, BP4

NC_012920.1(MT-ATP6):m.9070T>G

Gene: MT-ATP6 (mitochondrially encoded ATP synthase 6; plus strand).
Variant type: single nucleotide variant.
Genome position: chrM-9070-T-G.
Identifiers: ClinVar variation 693074 (VCV000693074.1), dbSNP rs879190502, ClinGen allele CA337098182.